The following is an entry in ClinVar:

ClinVar aggregate classification (germline): Uncertain significance (1 of 4 stars; one submission).

Allele frequency attached by ClinVar (database versions not stated): TOPMed below 0.00001; gnomAD 0.00001.

Submission:

Labcorp Genetics (formerly Invitae), Labcorp
Classification: Uncertain significance. Last evaluated: 2022-07-23. Review status: criteria provided, single submitter. Criteria: Invitae Variant Classification Sherloc (09022015). Collection method: clinical testing. Allele origin: germline.
Comment: This sequence change creates a premature translational stop signal (p.Arg704*) in the WNK4 gene. It is expected to result in an absent or disrupted protein product. However, the current clinical and genetic evidence is not sufficient to establish whether loss-of-function variants in WNK4 cause disease. This variant is present in population databases (no rsID available, gnomAD 0.002%). This variant has not been reported in the literature in individuals affected with WNK4-related conditions. Algorithms developed to predict the effect of sequence changes on RNA splicing suggest that this variant may disrupt the consensus splice site. In summary, the available evidence is currently insufficient to determine the role of this variant in disease. Therefore, it has been classified as a Variant of Uncertain Significance.

NM_032387.5(WNK4):c.2110C>T (p.Arg704Ter)

Gene: WNK4 (WNK lysine deficient protein kinase 4; plus strand). Cytogenetic location: 17q21.2.
Variant type: single nucleotide variant.
Coding change: c.2110C>T on transcript NM_032387.5 (MANE Select); coding-DNA position 2110, C replaced by T.
Protein change: p.Arg704Ter; replaces arginine 704 with a stop codon.
Molecular consequence: nonsense.
Genome position (GRCh38, 1-based): chr17:42,788,750, C>T. VCF-style: chr17-42788750-C-T. GRCh37 (hg19) VCF-style: chr17-40940768-C-T.
Other names: c.1102C>T, p.Arg368Ter (NM_001321299.2); short protein forms R368*, R704*.
Identifiers: ClinVar variation 1971055 (VCV001971055.5), dbSNP rs1218219963, ClinGen allele CA399659467.